The following is an entry in ClinVar:

NM_001174150.2(ARL13B):c.961A>G (p.Lys321Glu)

Gene: ARL13B (ARF like GTPase 13B; plus strand). Cytogenetic location: 3q11.2.
Variant type: single nucleotide variant.
Coding change: c.961A>G on transcript NM_001174150.2 (MANE Select); coding-DNA position 961, A replaced by G.
Protein change: p.Lys321Glu; replaces lysine 321 with glutamic acid.
Molecular consequence: missense variant. On other transcripts: non-coding transcript variant (2).
Genome position (GRCh38, 1-based): chr3:94,043,177, A>G. VCF-style: chr3-94043177-A-G. GRCh37 (hg19) VCF-style: chr3-93762021-A-G.
Other names: c.652A>G, p.Lys218Glu (NM_001174151.2); c.916A>G, p.Lys306Glu (NM_001321328.2); c.640A>G, p.Lys214Glu (NM_144996.4); c.961A>G, p.Lys321Glu (NM_182896.3); short protein forms K321E, K214E, K218E, K306E.
Identifiers: ClinVar variation 1513099 (VCV001513099.8), dbSNP rs769719854, ClinGen allele CA2504218.

ClinVar aggregate classification (germline): Uncertain significance (1 of 4 stars; one submission).

Conditions:
Joubert syndrome 8 (JBTS8). Identifiers: Orphanet 475, MedGen C2676771, MONDO:0012855, OMIM 612291.

Allele frequency attached by ClinVar (database versions not stated): gnomAD exomes below 0.00001; ExAC 0.00001; gnomAD 0.00001; TOPMed 0.00001.

Submission:

Labcorp Genetics (formerly Invitae), Labcorp
Classification: Uncertain significance for Joubert syndrome 8. Last evaluated: 2022-11-01. Review status: criteria provided, single submitter. Criteria: Invitae Variant Classification Sherloc (09022015). Collection method: clinical testing. Allele origin: germline.
Comment: Advanced modeling of protein sequence and biophysical properties (such as structural, functional, and spatial information, amino acid conservation, physicochemical variation, residue mobility, and thermodynamic stability) performed at Invitae indicates that this missense variant is not expected to disrupt ARL13B protein function. ClinVar contains an entry for this variant (Variation ID: 1513099). This variant has not been reported in the literature in individuals affected with ARL13B-related conditions. This variant is present in population databases (rs769719854, gnomAD 0.007%). This sequence change replaces lysine, which is basic and polar, with glutamic acid, which is acidic and polar, at codon 321 of the ARL13B protein (p.Lys321Glu). In summary, the available evidence is currently insufficient to determine the role of this variant in disease. Therefore, it has been classified as a Variant of Uncertain Significance.